The following is an entry in ClinVar:

NM_198525.3(KIF7):c.2981A>G (p.Gln994Arg)

Gene: KIF7 (kinesin family member 7; minus strand). Cytogenetic location: 15q26.1.
Variant type: single nucleotide variant.
Coding change: c.2981A>G on transcript NM_198525.3 (MANE Select); coding-DNA position 2981, A replaced by G.
Protein change: p.Gln994Arg; replaces glutamine 994 with arginine.
Molecular consequence: missense variant.
Genome position (GRCh38, 1-based): chr15:89,631,625, T>C on the plus strand (A>G on the coding strand, the complement: KIF7 is on the minus strand). VCF-style: chr15-89631625-T-C. GRCh37 (hg19) VCF-style: chr15-90174856-T-C.
Other names: short protein forms Q994R.
Identifiers: ClinVar variation 194572 (VCV000194572.48), dbSNP rs138410949, ClinGen allele CA020312.

ClinVar aggregate classification (germline): Conflicting classifications of pathogenicity. Review status: criteria provided, conflicting classifications (1 of 4 stars). 9 submissions from 9 submitters: Uncertain significance (1); Benign (1); Likely benign (4). 3 of the submissions do not count toward it. Last evaluated 2026-09-01.

Conditions:
Acrocallosal syndrome (ACLS). Also called: HALLUX DUPLICATION, POSTAXIAL POLYDACTYLY, AND ABSENCE OF CORPUS CALLOSUM; Schinzel syndrome 1; Absence of corpus callosum with unusual facial appearance, mental deficiency, duplication of the halluces and polydactyly. Identifiers: Orphanet 36, MedGen C0796147, MONDO:0008708, OMIM 200990.
Intellectual disability. Also called: intellectual disabilities; Intellectual developmental disorder; Intellectual functioning disability. Identifiers: MedGen C3714756, MeSH D008607, MONDO:0001071, HP:0001249.

Allele frequency attached by ClinVar (database versions not stated): ESP Exome Variant Server 0.00116; ExAC 0.00153; gnomAD exomes 0.00164 and 0.00275; gnomAD 0.00194 and 0.00203; 1000 Genomes Project 0.00220; TOPMed 0.00226; 1000 Genomes Project 30x 0.00250.
gnomAD v4.1: 4,201 of 1,561,306 alleles (0.27%); highest among the groups gnomAD compares: Admixed American, 0.38%; 9 homozygotes.

Submissions (9):

CeGaT Center for Human Genetics Tuebingen
Classification: Likely benign. Last evaluated: 2026-09-01. Review status: criteria provided, single submitter. Criteria: CeGaT Center For Human Genetics Tuebingen Variant Classification Criteria Version 2. Collection method: clinical testing. Allele origin: germline. Affected: yes. Observed: 11 variant alleles.
Comment: KIF7: BP4

Labcorp Genetics (formerly Invitae), Labcorp
Classification: Likely benign for Acrocallosal syndrome. Last evaluated: 2026-01-27. Review status: criteria provided, single submitter. Criteria: Invitae Variant Classification Sherloc (09022015). Collection method: clinical testing. Allele origin: germline.

Blueprint Genetics
Classification: Likely benign. Last evaluated: 2024-11-06. Review status: criteria provided, single submitter. Criteria: ACMG Guidelines, 2015. Collection method: clinical testing. Allele origin: germline.

GeneDx
Classification: Likely benign. Last evaluated: 2021-03-11. Review status: criteria provided, single submitter. Criteria: GeneDx Variant Classification Process June 2021. Collection method: clinical testing. Allele origin: germline. Affected: yes.
Comment: In silico analysis supports that this missense variant does not alter protein structure/function; This variant is associated with the following publications: (PMID: 23891399, 26092869, 26648833, 21552264, 31322791)

Illumina Laboratory Services, Illumina
Classification: Benign for Acrocallosal syndrome. Last evaluated: 2017-04-27. Review status: criteria provided, single submitter. Criteria: ICSL Variant Classification Criteria 13 December 2019. Collection method: clinical testing. Allele origin: germline.
Comment: This variant was observed as part of a predisposition screen in an ostensibly healthy population. A literature search was performed for the gene, cDNA change, and amino acid change (where applicable). Publications were found based on this search. The evidence from the literature, in combination with allele frequency data from public databases where available, was sufficient to rule this variant out of causing disease. Therefore, this variant is classified as benign.

Eurofins Ntd Llc (ga)
Classification: Uncertain significance. Last evaluated: 2014-11-14. Review status: criteria provided, single submitter. Criteria: EGL Classification Definitions 2015. Collection method: clinical testing. Allele origin: germline. Observed: 2 variant alleles, 2 heterozygotes.

Centre de Biologie Pathologie Génétique, Centre Hospitalier Universitaire de Lille
Classification: Uncertain significance for Intellectual disability. Last evaluated: 2019-01-01. Review status: flagged submission. Collection method: clinical testing. Allele origin: unknown. Affected: yes. Not counted in ClinVar's aggregate classification.
ClinVar note: Reason: Claim with insufficient supporting evidence

Center for Pediatric Genomic Medicine, Children's Mercy Hospital and Clinics
Classification: Uncertain significance. Last evaluated: 2017-03-28. Review status: flagged submission. Criteria: ACMG Guidelines, 2015. Collection method: clinical testing. Allele origin: germline. Not counted in ClinVar's aggregate classification.
ClinVar note: Reason: Older claim that does not account for recent evidence

UW Hindbrain Malformation Research Program, University of Washington
Classification: Pathogenic for Acrocallosal syndrome. Last evaluated: 2015-02-23. Review status: flagged submission. Criteria: Bachmann-Gagescu et al. (J Med Genet. 2015). Collection method: research. Allele origin: unknown. Affected: yes. Not counted in ClinVar's aggregate classification.
ClinVar note: Reason: Outlier claim with insufficient supporting evidence

Literature cited by the submitters: PubMed 21552264 (cited by Illumina Laboratory Services, Illumina and Eurofins Ntd Llc (ga)).